The following is an entry in ClinVar:

ClinVar aggregate classification (germline): Uncertain significance (1 of 4 stars; one submission).

Conditions:
Neurofibromatosis, type 1 (NF1). Also called: VON RECKLINGHAUSEN DISEASE; Peripheral type neurofibromatosis; Neurofibromatosis, type I; NEUROFIBROMATOSIS, TYPE I, SOMATIC. Identifiers: Orphanet 636, MedGen C0027831, MONDO:0018975, OMIM 162200. Disease mechanism: loss of function.

Submission:

Labcorp Genetics (formerly Invitae), Labcorp
Classification: Uncertain significance for Neurofibromatosis, type 1. Last evaluated: 2022-12-24. Review status: criteria provided, single submitter. Criteria: Invitae Variant Classification Sherloc (09022015). Collection method: clinical testing. Allele origin: germline.
Comment: In summary, the available evidence is currently insufficient to determine the role of this variant in disease. Therefore, it has been classified as a Variant of Uncertain Significance. Advanced modeling of protein sequence and biophysical properties (such as structural, functional, and spatial information, amino acid conservation, physicochemical variation, residue mobility, and thermodynamic stability) performed at Invitae indicates that this missense variant is expected to disrupt NF1 protein function. This variant has not been reported in the literature in individuals affected with NF1-related conditions. This variant is not present in population databases (gnomAD no frequency). This sequence change replaces leucine, which is neutral and non-polar, with phenylalanine, which is neutral and non-polar, at codon 1361 of the NF1 protein (p.Leu1361Phe).

NM_001042492.3(NF1):c.4081C>T (p.Leu1361Phe)

Gene: NF1 (neurofibromin 1; plus strand). Cytogenetic location: 17q11.2.
Variant type: single nucleotide variant.
Coding change: c.4081C>T on transcript NM_001042492.3 (MANE Select); coding-DNA position 4081, C replaced by T.
Protein change: p.Leu1361Phe; replaces leucine 1361 with phenylalanine.
Molecular consequence: missense variant.
Genome position (GRCh38, 1-based): chr17:31,249,090, C>T. VCF-style: chr17-31249090-C-T. GRCh37 (hg19) VCF-style: chr17-29576108-C-T.
Other names: c.4081C>T, p.Leu1361Phe (NM_000267.4); short protein forms L1361F.
Identifiers: ClinVar variation 2823720 (VCV002823720.3), dbSNP rs2151451595, ClinGen allele CA398995046.